The following is an entry in ClinVar:

ClinVar aggregate classification (germline): Uncertain significance. Review status: criteria provided, multiple submitters, no conflicts (2 of 4 stars). 4 submissions from 4 submitters: Uncertain significance (4). Last evaluated 2026-03-09.

Conditions:
NPHP4-related disorder. Also called: NPHP4-related disorders; NPHP4-related condition. Identifiers: MedGen CN239384.
Inborn genetic diseases. Identifiers: MedGen C0950123, MeSH D030342.
Nephronophthisis. Also called: Juvenile Nephronophthisis. Identifiers: Orphanet 655, MedGen C0687120, MONDO:0019005, HP:0000090.

Allele frequency attached by ClinVar (database versions not stated): gnomAD exomes 0.00001 and 0.00002; gnomAD 0.00002 and 0.00001; TOPMed 0.00002; ExAC 0.00004.
gnomAD v4.1: 31 of 1,553,118 alleles (0.002%); highest among the groups gnomAD compares: Non-Finnish European, 0.0026%; no homozygotes.

Submissions (4):

PreventionGenetics, part of Exact Sciences
Classification: Uncertain significance for NPHP4-related condition. Last evaluated: 2026-03-09. Review status: criteria provided, single submitter. Criteria: ACMG Guidelines, 2015. Collection method: clinical testing. Allele origin: germline.
Comment: The NPHP4 c.394A>T variant is predicted to result in the amino acid substitution p.Ile132Phe. To our knowledge, this variant has not been reported in the literature. This variant is reported in 0.0058% of alleles in individuals of African descent in gnomAD. At this time, the clinical significance of this variant is uncertain due to the absence of conclusive functional and genetic evidence.

Ambry Genetics
Classification: Uncertain significance for Inborn genetic diseases. Last evaluated: 2025-10-21. Review status: criteria provided, single submitter. Criteria: Ambry Variant Classification Scheme 2023. Collection method: clinical testing. Allele origin: germline.

Blueprint Genetics
Classification: Uncertain significance. Last evaluated: 2022-11-03. Review status: criteria provided, single submitter. Criteria: ACMG Guidelines, 2015. Collection method: clinical testing. Allele origin: germline.

Labcorp Genetics (formerly Invitae), Labcorp
Classification: Uncertain significance for Nephronophthisis. Last evaluated: 2022-08-16. Review status: criteria provided, single submitter. Criteria: Invitae Variant Classification Sherloc (09022015). Collection method: clinical testing. Allele origin: germline.
Comment: In summary, the available evidence is currently insufficient to determine the role of this variant in disease. Therefore, it has been classified as a Variant of Uncertain Significance. Algorithms developed to predict the effect of missense changes on protein structure and function are either unavailable or do not agree on the potential impact of this missense change (SIFT: "Tolerated"; PolyPhen-2: "Possibly Damaging"; Align-GVGD: "Class C0"). ClinVar contains an entry for this variant (Variation ID: 940637). This variant has not been reported in the literature in individuals affected with NPHP4-related conditions. This variant is present in population databases (rs745735818, gnomAD 0.006%). This sequence change replaces isoleucine, which is neutral and non-polar, with phenylalanine, which is neutral and non-polar, at codon 132 of the NPHP4 protein (p.Ile132Phe).

NM_015102.5(NPHP4):c.394A>T (p.Ile132Phe)

Gene: NPHP4 (nephrocystin 4; minus strand). Cytogenetic location: 1p36.31.
Variant type: single nucleotide variant.
Coding change: c.394A>T on transcript NM_015102.5 (MANE Select); coding-DNA position 394, A replaced by T.
Protein change: p.Ile132Phe; replaces isoleucine 132 with phenylalanine.
Molecular consequence: missense variant. On other transcripts: 5 prime UTR variant (2), non-coding transcript variant (1).
Genome position (GRCh38, 1-based): chr1:5,969,145, T>A on the plus strand (A>T on the coding strand, the complement: NPHP4 is on the minus strand). VCF-style: chr1-5969145-T-A. GRCh37 (hg19) VCF-style: chr1-6029205-T-A.
Other names: c.-836A>T (NM_001291593.2); c.-973A>T (NM_001291594.2); c.394A>T (NM_015102.3); short protein forms I132F.
Identifiers: ClinVar variation 940637 (VCV000940637.8), dbSNP rs745735818, ClinGen allele CA554860.